The following is an entry in ClinVar:

NM_001035.3(RYR2):c.180A>C (p.Pro60=)

Gene: RYR2 (ryanodine receptor 2; plus strand). Cytogenetic location: 1q43.
Variant type: single nucleotide variant.
Coding change: c.180A>C on transcript NM_001035.3 (MANE Select); coding-DNA position 180, A replaced by C.
Protein change: p.Pro60=; no amino-acid change (proline 60 retained).
Molecular consequence: synonymous variant.
Genome position (GRCh38, 1-based): chr1:237,330,889, A>C. VCF-style: chr1-237330889-A-C. GRCh37 (hg19) VCF-style: chr1-237494189-A-C.
Identifiers: ClinVar variation 1172090 (VCV001172090.3), dbSNP rs1696641571, ClinGen allele CA423861501.

ClinVar aggregate classification (germline): Likely benign. Review status: criteria provided, multiple submitters, no conflicts (2 of 4 stars). 2 submissions from 2 submitters: Likely benign (2). Last evaluated 2023-12-14.

Conditions:
Cardiomyopathy (CMYO). Also called: Cardiomyopathies. Identifiers: Orphanet 167848, MedGen C0878544, MONDO:0004994, HP:0001638. Inheritance: Various modes of inheritance.
Catecholaminergic polymorphic ventricular tachycardia (CVPT). Also called: Catecholamine-induced polymorphic ventricular tachycardia. Identifiers: Orphanet 3286, MedGen C5574922, MONDO:0017990.

Allele frequency attached by ClinVar (database versions not stated): TOPMed below 0.00001; gnomAD exomes below 0.00001.
gnomAD v4.1: 2 of 1,613,902 alleles (0.00012%); highest among the groups gnomAD compares: Non-Finnish European, 0.00017%; no homozygotes.

Submissions (2):

All of Us Research Program, National Institutes of Health
Classification: Likely benign for Catecholaminergic polymorphic ventricular tachycardia. Last evaluated: 2023-12-14. Review status: criteria provided, single submitter. Criteria: ACMG Guidelines, 2015. Collection method: clinical testing. Allele origin: germline. Inheritance: Autosomal dominant inheritance. Observed: 1 variant allele, 1 heterozygote.
Comment: This study involves interpretation of variants in research participants for the purpose of population health screening. Participant phenotype was not available at the time of variant classification. Additional details can be found in publication PMID: 35346344, PMCID: PMC8962531

Color Diagnostics, LLC DBA Color Health
Classification: Likely benign for Cardiomyopathy. Last evaluated: 2020-10-26. Review status: criteria provided, single submitter. Criteria: ACMG Guidelines, 2015. Collection method: clinical testing. Allele origin: germline.